The following is an entry in ClinVar:

ClinVar aggregate classification (germline): Benign. Review status: criteria provided, multiple submitters, no conflicts (2 of 4 stars). 2 submissions from 2 submitters: Benign (2). Last evaluated 2018-01-12.

Conditions:
Disorders of Intracellular Cobalamin Metabolism. Identifiers: MedGen CN043592.

Allele frequency attached by ClinVar (database versions not stated): gnomAD 0.05370 and 0.05416; TOPMed 0.05749; 1000 Genomes Project 30x 0.07261; 1000 Genomes Project 0.07408.

Submissions (2):

Illumina Laboratory Services, Illumina
Classification: Benign for Disorders of Intracellular Cobalamin Metabolism. Last evaluated: 2018-01-12. Review status: criteria provided, single submitter. Criteria: ICSL Variant Classification Criteria 13 December 2019. Collection method: clinical testing. Allele origin: germline.
Comment: This variant was observed in the ICSL laboratory as part of a predisposition screen in an ostensibly healthy population. It had not been previously curated by ICSL or reported in the Human Gene Mutation Database (HGMD: prior to June 1st, 2018), and was therefore a candidate for classification through an automated scoring system. Utilizing variant allele frequency, disease prevalence and penetrance estimates, and inheritance mode, an automated score was calculated to assess if this variant is too frequent to cause the disease. Based on the score and internal cut-off values, a variant classified as benign is not then subjected to further curation. The score for this variant resulted in a classification of benign for this disease.

Breakthrough Genomics
Classification: Benign. Review status: criteria provided, single submitter. Criteria: ACMG Guidelines, 2015. Collection method: not provided. Allele origin: germline. Inheritance: Autosomal recessive inheritance. Affected: yes.

NM_000254.3(MTR):c.*5535G>A

Gene: MTR (5-methyltetrahydrofolate-homocysteine methyltransferase; plus strand). Cytogenetic location: 1q43.
Variant type: single nucleotide variant.
Coding change: c.*5535G>A on transcript NM_000254.3 (MANE Select); 5535 bases downstream of the stop codon, G replaced by A.
Molecular consequence: 3 prime UTR variant.
Genome position (GRCh38, 1-based): chr1:236,903,179, G>A. VCF-style: chr1-236903179-G-A. GRCh37 (hg19) VCF-style: chr1-237066479-G-A.
Other names: c.*5535G>A (NM_001291939.1, NM_001291940.2).
Identifiers: ClinVar variation 296688 (VCV000296688.6), dbSNP rs16834541, ClinGen allele CA10609736.